The following is an entry in ClinVar:

ClinVar aggregate classification (germline): Benign/Likely benign. Review status: criteria provided, multiple submitters, no conflicts (2 of 4 stars). 8 submissions from 8 submitters: Benign (3); Likely benign (5). Last evaluated 2026-01-13.

Conditions:
Emery-Dreifuss muscular dystrophy 5, autosomal dominant (EDMD5). Also called: EMERY-DREIFUSS MUSCULAR DYSTROPHY 5. Identifiers: Orphanet 261, MedGen C2751805, MONDO:0013072, OMIM 612999.

Allele frequency attached by ClinVar (database versions not stated): gnomAD exomes 0.00021 and 0.00041; ExAC 0.00052; 1000 Genomes Project 30x 0.00172; gnomAD 0.00173 and 0.00180; 1000 Genomes Project 0.00180; TOPMed 0.00192; ESP Exome Variant Server 0.00230.
gnomAD v4.1: 597 of 1,613,882 alleles (0.037%); highest among the groups gnomAD compares: African/African-American, 0.62%; 7 homozygotes.

Submissions (8):

Labcorp Genetics (formerly Invitae), Labcorp
Classification: Benign for Emery-Dreifuss muscular dystrophy 5, autosomal dominant. Last evaluated: 2026-01-13. Review status: criteria provided, single submitter. Criteria: Invitae Variant Classification Sherloc (09022015). Collection method: clinical testing. Allele origin: germline.

Genomic Medicine Center of Excellence, King Faisal Specialist Hospital and Research Centre
Classification: Likely benign. Last evaluated: 2025-08-18. Review status: criteria provided, single submitter. Criteria: ACMG Guidelines, 2015. Collection method: clinical testing. Allele origin: germline.

CeGaT Center for Human Genetics Tuebingen
Classification: Benign. Last evaluated: 2025-05-01. Review status: criteria provided, single submitter. Criteria: CeGaT Center For Human Genetics Tuebingen Variant Classification Criteria Version 2. Collection method: clinical testing. Allele origin: germline. Affected: yes. Observed: 2 variant alleles.
Comment: SYNE2: BS1, BS2

Blueprint Genetics
Classification: Likely benign. Last evaluated: 2024-08-13. Review status: criteria provided, single submitter. Criteria: ACMG Guidelines, 2015. Collection method: clinical testing. Allele origin: germline.

Athena Diagnostics
Classification: Likely benign. Last evaluated: 2018-02-06. Review status: criteria provided, single submitter. Criteria: Athena Diagnostics Criteria. Collection method: clinical testing. Allele origin: germline.

Illumina Laboratory Services, Illumina
Classification: Benign for Emery-Dreifuss muscular dystrophy 5, autosomal dominant. Last evaluated: 2018-01-12. Review status: criteria provided, single submitter. Criteria: ICSL Variant Classification Criteria 13 December 2019. Collection method: clinical testing. Allele origin: germline.
Comment: This variant was observed in the ICSL laboratory as part of a predisposition screen in an ostensibly healthy population. It had not been previously curated by ICSL or reported in the Human Gene Mutation Database (HGMD: prior to June 1st, 2018), and was therefore a candidate for classification through an automated scoring system. Utilizing variant allele frequency, disease prevalence and penetrance estimates, and inheritance mode, an automated score was calculated to assess if this variant is too frequent to cause the disease. Based on the score and internal cut-off values, a variant classified as benign is not then subjected to further curation. The score for this variant resulted in a classification of benign for this disease.

Eurofins Ntd Llc (ga)
Classification: Likely benign. Last evaluated: 2015-09-19. Review status: criteria provided, single submitter. Criteria: EGL Classification Definitions 2015. Collection method: clinical testing. Allele origin: germline. Observed: 1 variant allele, 1 heterozygote.

Breakthrough Genomics
Classification: Likely benign. Review status: criteria provided, single submitter. Criteria: ACMG Guidelines, 2015. Collection method: not provided. Allele origin: germline. Inheritance: Autosomal dominant inheritance. Affected: yes.

NM_182914.3(SYNE2):c.4286T>C (p.Leu1429Pro)

Gene: SYNE2 (spectrin repeat containing nuclear envelope protein 2; plus strand). Cytogenetic location: 14q23.2.
Variant type: single nucleotide variant.
Coding change: c.4286T>C on transcript NM_182914.3 (MANE Select); coding-DNA position 4286, T replaced by C.
Protein change: p.Leu1429Pro; replaces leucine 1429 with proline.
Molecular consequence: missense variant.
Genome position (GRCh38, 1-based): chr14:64,003,219, T>C. VCF-style: chr14-64003219-T-C. GRCh37 (hg19) VCF-style: chr14-64469937-T-C.
Other names: c.4286T>C, p.Leu1429Pro (NM_015180.6); short protein forms L1429P.
Identifiers: ClinVar variation 283140 (VCV000283140.47), dbSNP rs150573158, ClinGen allele CA7220174.
Genomic context (GRCh38, chr14:64,003,219, plus strand): 5'-AGTTATCTGAGACACATGGCTATGGGGTACAGGAGGAATTCACTGAGGAAAACAAATTAC[T>C]AGAGGCTTGTATTTTCAAAAATAATGAACTCCTTAAAAATATTCAAGATGTGCAGAGTCA-3'
Protein context (NP_878918.2, residues 1419-1439): QEEFTEENKL[Leu1429Pro]EACIFKNNEL